The following is an entry in ClinVar:

NM_001194998.2(CEP152):c.2804A>G (p.Gln935Arg)

Gene: CEP152 (centrosomal protein 152; minus strand). Cytogenetic location: 15q21.1.
Variant type: single nucleotide variant.
Coding change: c.2804A>G on transcript NM_001194998.2 (MANE Select); coding-DNA position 2804, A replaced by G.
Protein change: p.Gln935Arg; replaces glutamine 935 with arginine.
Molecular consequence: missense variant.
Genome position (GRCh38, 1-based): chr15:48,756,444, T>C on the plus strand (A>G on the coding strand, the complement: CEP152 is on the minus strand). VCF-style: chr15-48756444-T-C. GRCh37 (hg19) VCF-style: chr15-49048641-T-C.
Other names: c.2804A>G (NM_001194998.1); c.2804A>G, p.Gln935Arg (NM_014985.4); short protein forms Q935R.
Identifiers: ClinVar variation 316420 (VCV000316420.24), dbSNP rs74245641, ClinGen allele CA7548473.

ClinVar aggregate classification (germline): Benign/Likely benign. Review status: criteria provided, multiple submitters, no conflicts (2 of 4 stars). 6 submissions from 5 submitters: Benign (1); Likely benign (4). 1 of the submissions does not count toward it. Last evaluated 2025-09-01.

Conditions:
CEP152-related disorder. Also called: CEP152-related condition; CEP152-related disorders. Identifiers: MedGen CN239248.
Microcephaly 9, primary, autosomal recessive. Identifiers: Orphanet 2512, MedGen C3553886, MONDO:0013923, OMIM 614852.
Seckel syndrome 5 (SCKL5). Identifiers: Orphanet 808, MedGen C3151187, MONDO:0013443, OMIM 613823.

Allele frequency attached by ClinVar (database versions not stated): gnomAD 0.00016 and 0.00039; gnomAD exomes 0.00020 and 0.00081; TOPMed 0.00042; ExAC 0.00087; 1000 Genomes Project 30x 0.00390; 1000 Genomes Project 0.00399.
gnomAD v4.1: 382 of 1,613,886 alleles (0.024%); highest among the groups gnomAD compares: East Asian, 0.56%; 3 homozygotes.

Submissions (6):

CeGaT Center for Human Genetics Tuebingen
Classification: Likely benign. Last evaluated: 2025-09-01. Review status: criteria provided, single submitter. Criteria: CeGaT Center For Human Genetics Tuebingen Variant Classification Criteria Version 2. Collection method: clinical testing. Allele origin: germline. Affected: yes. Observed: 1 variant allele.
Comment: CEP152: BP4, BS2

Labcorp Genetics (formerly Invitae), Labcorp
Classification: Benign. Last evaluated: 2025-06-12. Review status: criteria provided, single submitter. Criteria: Invitae Variant Classification Sherloc (09022015). Collection method: clinical testing. Allele origin: germline.

Blueprint Genetics
Classification: Likely benign. Last evaluated: 2024-10-30. Review status: criteria provided, single submitter. Criteria: ACMG Guidelines, 2015. Collection method: clinical testing. Allele origin: germline.

Illumina Laboratory Services, Illumina
Classification: Likely benign for Seckel syndrome 5. Last evaluated: 2018-01-12. Review status: criteria provided, single submitter. Criteria: ICSL Variant Classification Criteria 13 December 2019. Collection method: clinical testing. Allele origin: germline.
Comment: This variant was observed in the ICSL laboratory as part of a predisposition screen in an ostensibly healthy population. It had not been previously curated by ICSL or reported in the Human Gene Mutation Database (HGMD: prior to June 1st, 2018), and was therefore a candidate for classification through an automated scoring system. Utilizing variant allele frequency, disease prevalence and penetrance estimates, and inheritance mode, an automated score was calculated to assess if this variant is too frequent to cause the disease. Based on the score and internal cut-off values, a variant classified as likely benign is not then subjected to further curation. The score for this variant resulted in a classification of likely benign for this disease.

Illumina Laboratory Services, Illumina
Classification: Likely benign for Microcephaly 9, primary, autosomal recessive. Last evaluated: 2018-01-12. Review status: criteria provided, single submitter. Criteria: ICSL Variant Classification Criteria 13 December 2019. Collection method: clinical testing. Allele origin: germline.
Comment: the same text as in the submission from Illumina Laboratory Services, Illumina above.

PreventionGenetics, part of Exact Sciences
Classification: Likely benign for CEP152-related condition. Last evaluated: 2019-07-09. Review status: no assertion criteria provided. Collection method: clinical testing. Allele origin: germline. Not counted in ClinVar's aggregate classification.
Comment: This variant is classified as likely benign based on ACMG/AMP sequence variant interpretation guidelines (Richards et al. 2015 PMID: 25741868, with internal and published modifications).